The following is an entry in ClinVar:

ClinVar aggregate classification (germline): Uncertain significance (1 of 4 stars; one submission).

Allele frequency attached by ClinVar (database versions not stated): ExAC 0.00001; gnomAD exomes 0.00002 and 0.00003; TOPMed 0.00003; gnomAD 0.00004.
gnomAD v4.1: 48 of 1,614,030 alleles (0.003%); highest among the groups gnomAD compares: East Asian, 0.0067%; no homozygotes.

Submission:

Labcorp Genetics (formerly Invitae), Labcorp
Classification: Uncertain significance. Last evaluated: 2025-07-10. Review status: criteria provided, single submitter. Criteria: Invitae Variant Classification Sherloc (09022015). Collection method: clinical testing. Allele origin: germline.
Comment: This sequence change replaces proline, which is neutral and non-polar, with leucine, which is neutral and non-polar, at codon 226 of the TRAPPC9 protein (p.Pro226Leu). The frequency data for this variant in the population databases is considered unreliable, as metrics indicate poor data quality at this position in the gnomAD database. This variant has not been reported in the literature in individuals affected with TRAPPC9-related conditions. ClinVar contains an entry for this variant (Variation ID: 1519320). An algorithm developed to predict the effect of missense changes on protein structure and function (PolyPhen-2) suggests that this variant is likely to be disruptive. In summary, the available evidence is currently insufficient to determine the role of this variant in disease. Therefore, it has been classified as a Variant of Uncertain Significance.

NM_001160372.4(TRAPPC9):c.383C>T (p.Pro128Leu)

Gene: TRAPPC9 (trafficking protein particle complex subunit 9; minus strand). Cytogenetic location: 8q24.3.
Variant type: single nucleotide variant.
Coding change: c.383C>T on transcript NM_001160372.4 (MANE Select); coding-DNA position 383, C replaced by T.
Protein change: p.Pro128Leu; replaces proline 128 with leucine.
Molecular consequence: missense variant. On other transcripts: non-coding transcript variant (1).
Genome position (GRCh38, 1-based): chr8:140,450,991, G>A on the plus strand (C>T on the coding strand, the complement: TRAPPC9 is on the minus strand). VCF-style: chr8-140450991-G-A. GRCh37 (hg19) VCF-style: chr8-141461090-G-A.
Other names: c.383C>T, p.Pro128Leu (NM_001321646.2, NM_001374682.1, NM_001374683.1 and 2 more transcripts); short protein forms P128L.
Identifiers: ClinVar variation 1519320 (VCV001519320.8), dbSNP rs780990607, ClinGen allele CA4893742.
Genomic context (GRCh38, chr8:140,450,991, plus strand): 5'-ATTCTCTTCTCCACCGTCTGGCAGTCCTCGTAGTTGGGGTAGAAAGCCACGTCGGTGCGC[G>A]GCTGCTCCACGATCTCCCCCTGCAGCCCGAAGACAAAGAGCCGGGAGTCATACAGTGTGG-3'
Protein context (NP_001153844.1, residues 118-138): FGLQGEIVEQ[Pro128Leu]RTDVAFYPNY